The following is an entry in ClinVar:

ClinVar aggregate classification (germline): Pathogenic/Likely pathogenic. Review status: criteria provided, multiple submitters, no conflicts (2 of 4 stars). 4 submissions from 4 submitters: Pathogenic (2); Likely pathogenic (1). 1 of the submissions does not count toward it. Last evaluated 2025-03-17.

Conditions:
Early-infantile DEE. Also called: Early infantile epileptic encephalopathy; Early infantile epileptic encephalopathy with suppression bursts; Ohtahara syndrome. Identifiers: Orphanet 1934, MedGen C0393706, MONDO:0800491.
SCN1A-related disorder. Also called: SCN1A-related conditions; SCN1A-related condition; SCN1A-related disorders.

Submissions (4):

GeneDx
Classification: Pathogenic. Last evaluated: 2025-03-17. Review status: criteria provided, single submitter. Criteria: GeneDx Variant Classification Process June 2021. Collection method: clinical testing. Allele origin: germline. Affected: yes.
Comment: Non-canonical splice site variant demonstrated to result in loss-of-function (PMID: 31677916); Reported previously in an individual with Dravet syndrome (PMID: 29573403); parental testing was not provided and functional characterization of the variant was not performed; Not observed in large population cohorts (gnomAD); This variant is associated with the following publications: (PMID: 31677916, 37644014, 29573403)

Blueprint Genetics
Classification: Likely pathogenic for SCN1A-related disorders. Last evaluated: 2024-08-07. Review status: criteria provided, single submitter. Criteria: ACMG Guidelines, 2015. Collection method: clinical testing. Allele origin: germline. Affected: yes. Observed: 1 variant allele.

Labcorp Genetics (formerly Invitae), Labcorp
Classification: Pathogenic for Early-infantile DEE. Last evaluated: 2024-05-15. Review status: criteria provided, single submitter. Criteria: Invitae Variant Classification Sherloc (09022015). Collection method: clinical testing. Allele origin: germline.
Comment: This sequence change falls in intron 23 of the SCN1A gene. It does not directly change the encoded amino acid sequence of the SCN1A protein. RNA analysis indicates that this variant induces altered splicing and may result in an absent or disrupted protein product. This variant is not present in population databases (gnomAD no frequency). This variant has been observed in individual(s) with SCN1A-related conditions (PMID: 31677916). In at least one individual the variant was observed to be de novo. ClinVar contains an entry for this variant (Variation ID: 841954). Variants that disrupt the consensus splice site are a relatively common cause of aberrant splicing (PMID: 17576681, 9536098). Studies have shown that this variant results in abnormal splicing and introduces a premature termination codon (PMID: 31677916). The resulting mRNA is expected to undergo nonsense-mediated decay. For these reasons, this variant has been classified as Pathogenic.

Revvity Omics, Revvity
Classification: Uncertain significance. Last evaluated: 2021-02-03. Review status: flagged submission. Criteria: ACMG Guidelines, 2015. Collection method: clinical testing. Allele origin: germline. Not counted in ClinVar's aggregate classification.
ClinVar note: Reason: Claim with insufficient supporting evidence

Literature cited by the submitters: PubMed 31677916 (cited by Labcorp Genetics (formerly Invitae), Labcorp); PubMed 17576681 (cited by Labcorp Genetics (formerly Invitae), Labcorp); PubMed 9536098 (cited by Labcorp Genetics (formerly Invitae), Labcorp).

NM_001165963.4(SCN1A):c.4477-3T>C

Genes: SCN1A (sodium voltage-gated channel alpha subunit 1; minus strand), LOC102724058 (uncharacterized LOC102724058; plus strand). Cytogenetic location: 2q24.3.
Variant type: single nucleotide variant.
Coding change: c.4477-3T>C on transcript NM_001165963.4 (MANE Select); 3 bases into the intron before coding-DNA position 4477, T replaced by C.
Molecular consequence: intron variant.
Genome position (GRCh38, 1-based): chr2:165,996,120, A>G on the plus strand (T>C on the coding strand, the complement: SCN1A is on the minus strand). VCF-style: chr2-165996120-A-G. GRCh37 (hg19) VCF-style: chr2-166852630-A-G.
Other names: c.4444-3T>C (NM_001353949.2, NM_001353950.2, NM_001353951.2 and 2 more transcripts); c.4393-3T>C (NM_001353958.2, NM_001353957.2, NM_001165964.3); c.4477-3T>C (NM_001202435.3, NM_001353948.2); c.4441-3T>C (NM_001353955.2, NM_001353954.2); c.4390-3T>C (NM_001353960.2); c.2035-3T>C (NM_001353961.2).
Identifiers: ClinVar variation 841954 (VCV000841954.18), dbSNP rs1690013843, ClinGen allele CA916082236.